The following is an entry in ClinVar:

NM_000238.4(KCNH2):c.1597G>A (p.Val533Met)

Gene: KCNH2 (potassium voltage-gated channel subfamily H member 2; minus strand). Cytogenetic location: 7q36.1.
Variant type: single nucleotide variant.
Coding change: c.1597G>A on transcript NM_000238.4 (MANE Select); coding-DNA position 1597, G replaced by A.
Protein change: p.Val533Met; replaces valine 533 with methionine.
Molecular consequence: missense variant. On other transcripts: non-coding transcript variant (2).
Genome position (GRCh38, 1-based): chr7:150,951,796, C>T on the plus strand (G>A on the coding strand, the complement: KCNH2 is on the minus strand). VCF-style: chr7-150951796-C-T. GRCh37 (hg19) VCF-style: chr7-150648884-C-T.
Other names: c.1597G>A, p.Val533Met (NM_172056.3); c.577G>A, p.Val193Met (NM_172057.3, NM_001204798.2); c.1309G>A, p.Val437Met (NM_001406753.1, NM_001406756.1); c.1420G>A, p.Val474Met (NM_001406755.1); c.1297G>A, p.Val433Met (NM_001406757.1); short protein forms V193M, V433M, V437M, V474M, V533M.
Identifiers: ClinVar variation 4757510 (VCV004757510.5).

ClinVar aggregate classification (germline): Conflicting classifications of pathogenicity. Review status: criteria provided, conflicting classifications (1 of 4 stars). 2 submissions from 2 submitters: Likely pathogenic (1); Uncertain significance (1). Last evaluated 2026-03-01.

Conditions:
Cardiac arrhythmia. Also called: Arrhythmia; Cardiac rhythm disease. Identifiers: MedGen C0003811, MONDO:0007263, HP:0011675.

Submissions (2):

CeGaT Center for Human Genetics Tuebingen
Classification: Likely pathogenic. Last evaluated: 2026-03-01. Review status: criteria provided, single submitter. Criteria: CeGaT Center For Human Genetics Tuebingen Variant Classification Criteria Version 2. Collection method: clinical testing. Allele origin: germline. Affected: yes. Observed: 1 variant allele.
Comment: KCNH2: PM1, PM2, PP2, PS3:Supporting

Color Diagnostics, LLC DBA Color Health
Classification: Uncertain significance for Cardiac arrhythmia. Last evaluated: 2025-07-02. Review status: criteria provided, single submitter. Criteria: ACMG Guidelines, 2015. Collection method: clinical testing. Allele origin: germline.
Comment: This missense variant replaces valine with methionine at codon 533 of the KCNH2 protein. This variant is located within the conserved transmembrane S4 (aa 521-541) of the KCNH2 protein. Rare non-truncating variants in this region have been shown to be significantly overrepresented in individuals with long QT syndrome (PMID: 32893267). Computational prediction suggests that this variant may have a deleterious impact on protein structure and function. To our knowledge, functional studies have not been reported for this variant. This variant has not been reported in individuals affected with KCNH2-related disorders in the literature. This variant has not been identified in the general population by the Genome Aggregation Database (gnomAD). The available evidence is insufficient to determine the role of this variant in disease conclusively. Therefore, this variant is classified as a Variant of Uncertain Significance.

Literature cited by the submitters: PubMed 32893267 (cited by Color Diagnostics, LLC DBA Color Health).